The following is an entry in ClinVar:

NM_015909.4(NBAS):c.3335G>A (p.Cys1112Tyr)

Gene: NBAS (NBAS subunit of NRZ tethering complex; minus strand). Cytogenetic location: 2p24.3.
Variant type: single nucleotide variant.
Coding change: c.3335G>A on transcript NM_015909.4 (MANE Select); coding-DNA position 3335, G replaced by A.
Protein change: p.Cys1112Tyr; replaces cysteine 1112 with tyrosine.
Molecular consequence: missense variant. On other transcripts: non-coding transcript variant (1).
Genome position (GRCh38, 1-based): chr2:15,383,240, C>T on the plus strand (G>A on the coding strand, the complement: NBAS is on the minus strand). VCF-style: chr2-15383240-C-T. GRCh37 (hg19) VCF-style: chr2-15523364-C-T.
Other names: c.3335G>A (NM_015909.3, NM_015909.2); short protein forms C1112Y.
Identifiers: ClinVar variation 1921501 (VCV001921501.7), dbSNP rs145258312, ClinGen allele CA1536064.

ClinVar aggregate classification (germline): Conflicting classifications of pathogenicity. Review status: criteria provided, conflicting classifications (1 of 4 stars). 3 submissions from 3 submitters: Uncertain significance (2); Likely benign (1). Last evaluated 2026-05-29.

Conditions:
NBAS-related disorder. Also called: NBAS-related condition.
Inborn genetic diseases. Identifiers: MedGen C0950123, MeSH D030342.

Allele frequency attached by ClinVar (database versions not stated): gnomAD exomes 0.00001; ExAC 0.00005; gnomAD 0.00006; ESP Exome Variant Server 0.00008; TOPMed 0.00008; 1000 Genomes Project 30x 0.00016; 1000 Genomes Project 0.00020.
gnomAD v4.1: 20 of 1,613,882 alleles (0.0012%); highest among the groups gnomAD compares: African/African-American, 0.025%; no homozygotes.

Submissions (3):

PreventionGenetics, part of Exact Sciences
Classification: Uncertain significance for NBAS-related condition. Last evaluated: 2026-05-29. Review status: criteria provided, single submitter. Criteria: ACMG Guidelines, 2015. Collection method: clinical testing. Allele origin: germline.
Comment: The NBAS c.3335G>A variant is predicted to result in the amino acid substitution p.Cys1112Tyr. To our knowledge, this variant has not been reported in the literature. This variant is reported in 0.044% of alleles in individuals of African descent in gnomAD. At this time, the clinical significance of this variant is uncertain due to the absence of conclusive functional and genetic evidence.

Labcorp Genetics (formerly Invitae), Labcorp
Classification: Likely benign. Last evaluated: 2025-12-17. Review status: criteria provided, single submitter. Criteria: Invitae Variant Classification Sherloc (09022015). Collection method: clinical testing. Allele origin: germline.

Ambry Genetics
Classification: Uncertain significance for Inborn genetic diseases. Last evaluated: 2025-06-24. Review status: criteria provided, single submitter. Criteria: Ambry Variant Classification Scheme 2023. Collection method: clinical testing. Allele origin: germline.